The following is an entry in ClinVar:

ClinVar aggregate classification (germline): Benign/Likely benign. Review status: criteria provided, multiple submitters, no conflicts (2 of 4 stars). 8 submissions from 8 submitters: Benign (3); Likely benign (4). 1 of the submissions does not count toward it. Last evaluated 2026-01-31.

Conditions:
Hereditary cancer-predisposing syndrome. Also called: Tumor predisposition; Hereditary Cancer Syndrome; Hereditary neoplastic syndrome; Neoplastic Syndromes, Hereditary. Identifiers: Orphanet 140162, MedGen C0027672, MeSH D009386, MONDO:0015356.
Tuberous sclerosis 2 (TSC2). Identifiers: Orphanet 805, MedGen C1860707, MONDO:0013199, OMIM 613254.
Tuberous sclerosis syndrome (TSC). Also called: Tuberous Sclerosis Complex; Tuberous sclerosis. Identifiers: Orphanet 805, MedGen C0041341, MONDO:0001734.
TSC2-related disorder. Also called: TSC2-related condition; TSC2-Related Disorders.

Allele frequency attached by ClinVar (database versions not stated): gnomAD 0.00001; gnomAD exomes 0.00001 and 0.00002; TOPMed 0.00001; ExAC 0.00003.
gnomAD v4.1: 14 of 1,613,314 alleles (0.00087%); highest among the groups gnomAD compares: South Asian, 0.0066%; no homozygotes.

Submissions (8):

Labcorp Genetics (formerly Invitae), Labcorp
Classification: Benign for Tuberous sclerosis 2. Last evaluated: 2026-01-31. Review status: criteria provided, single submitter. Criteria: Invitae Variant Classification Sherloc (09022015). Collection method: clinical testing. Allele origin: germline.

Color Diagnostics, LLC DBA Color Health
Classification: Likely benign for Tuberous sclerosis syndrome. Last evaluated: 2025-06-03. Review status: criteria provided, single submitter. Criteria: ACMG Guidelines, 2015. Collection method: clinical testing. Allele origin: germline.

CeGaT Center for Human Genetics Tuebingen
Classification: Likely benign. Last evaluated: 2025-06-01. Review status: criteria provided, single submitter. Criteria: CeGaT Center For Human Genetics Tuebingen Variant Classification Criteria Version 2. Collection method: clinical testing. Allele origin: germline. Affected: yes. Observed: 1 variant allele.
Comment: TSC2: BP4, BS2

Myriad Genetics, Inc.
Classification: Benign for Tuberous sclerosis 2. Last evaluated: 2025-05-16. Review status: criteria provided, single submitter. Criteria: Myriad Autosomal Dominant, Autosomal Recessive and X-Linked Classification Criteria (2023). Collection method: clinical testing. Allele origin: unknown.
Comment: This variant is considered benign. This variant is a silent/synonymous amino acid change and it is not expected to impact splicing.

Genome-Nilou Lab
Classification: Benign for Tuberous sclerosis 2. Last evaluated: 2021-11-07. Review status: criteria provided, single submitter. Criteria: ACMG Guidelines, 2015. Collection method: clinical testing. Allele origin: germline. Affected: no.

GeneDx
Classification: Likely benign. Last evaluated: 2020-10-23. Review status: criteria provided, single submitter. Criteria: GeneDx Variant Classification Process June 2021. Collection method: clinical testing. Allele origin: germline. Affected: yes.

Ambry Genetics
Classification: Likely benign for Hereditary cancer-predisposing syndrome. Last evaluated: 2015-12-17. Review status: criteria provided, single submitter. Criteria: Ambry Variant Classification Scheme 2023. Collection method: clinical testing. Allele origin: germline.

PreventionGenetics, part of Exact Sciences
Classification: Likely benign for TSC2-related condition. Last evaluated: 2020-12-22. Review status: no assertion criteria provided. Collection method: clinical testing. Allele origin: germline. Not counted in ClinVar's aggregate classification.
Comment: This variant is classified as likely benign based on ACMG/AMP sequence variant interpretation guidelines (Richards et al. 2015 PMID: 25741868, with internal and published modifications).

NM_000548.5(TSC2):c.1932C>T (p.Cys644=)

Gene: TSC2 (TSC complex subunit 2; plus strand). Cytogenetic location: 16p13.3.
Variant type: single nucleotide variant.
Coding change: c.1932C>T on transcript NM_000548.5 (MANE Select); coding-DNA position 1932, C replaced by T.
Protein change: p.Cys644=; no amino-acid change (cysteine 644 retained).
Molecular consequence: synonymous variant.
Genome position (GRCh38, 1-based): chr16:2,071,602, C>T. VCF-style: chr16-2071602-C-T. GRCh37 (hg19) VCF-style: chr16-2121603-C-T.
Other names: c.1932C>T, p.Cys644= (NM_001077183.3, NM_001114382.3, NM_001363528.2 and 3 more transcripts); c.1821C>T, p.Cys607= (NM_001318827.2); c.1785C>T, p.Cys595= (NM_001318829.2); c.1332C>T, p.Cys444= (NM_001318831.2); c.1965C>T, p.Cys655= (NM_001318832.2); c.1932C>T (NM_000548.4).
Identifiers: ClinVar variation 378781 (VCV000378781.34), dbSNP rs777665839, ClinGen allele CA034545.